The following is an entry in ClinVar:

NM_001369.3(DNAH5):c.6908G>T (p.Gly2303Val)

Gene: DNAH5 (dynein axonemal heavy chain 5; minus strand). Cytogenetic location: 5p15.2.
Variant type: single nucleotide variant.
Coding change: c.6908G>T on transcript NM_001369.3 (MANE Select); coding-DNA position 6908, G replaced by T.
Protein change: p.Gly2303Val; replaces glycine 2303 with valine.
Molecular consequence: missense variant.
Genome position (GRCh38, 1-based): chr5:13,817,628, C>A on the plus strand (G>T on the coding strand, the complement: DNAH5 is on the minus strand). VCF-style: chr5-13817628-C-A. GRCh37 (hg19) VCF-style: chr5-13817737-C-A.
Other names: short protein forms G2303V.
Identifiers: ClinVar variation 642135 (VCV000642135.9), dbSNP rs1580399696, ClinGen allele CA359193033.

ClinVar aggregate classification (germline): Uncertain significance (1 of 4 stars; one submission).

Conditions:
Primary ciliary dyskinesia. Also called: Ciliary dyskinesia. Identifiers: Orphanet 244, MedGen C0008780, MONDO:0016575, HP:0012265.

Submission:

Labcorp Genetics (formerly Invitae), Labcorp
Classification: Uncertain significance for Primary ciliary dyskinesia. Last evaluated: 2018-12-19. Review status: criteria provided, single submitter. Criteria: Invitae Variant Classification Sherloc (09022015). Collection method: clinical testing. Allele origin: germline.
Comment: This sequence change replaces glycine with valine at codon 2303 of the DNAH5 protein (p.Gly2303Val). The glycine residue is highly conserved and there is a moderate physicochemical difference between glycine and valine. This variant is not present in population databases (ExAC no frequency). This variant has not been reported in the literature in individuals with DNAH5-related conditions. Algorithms developed to predict the effect of missense changes on protein structure and function are either unavailable or do not agree on the potential impact of this missense change (SIFT: "Deleterious"; PolyPhen-2: "Probably Damaging"; Align-GVGD: "Class C0"). In summary, the available evidence is currently insufficient to determine the role of this variant in disease. Therefore, it has been classified as a Variant of Uncertain Significance.